The following is an entry in ClinVar:

ClinVar aggregate classification (germline): Uncertain significance (1 of 4 stars; one submission).

Conditions:
Fanconi anemia complementation group E (FANCE). Also called: FANCE-Related Fanconi Anemia. Identifiers: Orphanet 84, MedGen C3160739, MONDO:0010953, OMIM 600901.

Allele frequency attached by ClinVar (database versions not stated): TOPMed below 0.00001; ESP Exome Variant Server 0.00008.

Submission:

Labcorp Genetics (formerly Invitae), Labcorp
Classification: Uncertain significance for Fanconi anemia complementation group E. Last evaluated: 2023-09-24. Review status: criteria provided, single submitter. Criteria: Invitae Variant Classification Sherloc (09022015). Collection method: clinical testing. Allele origin: germline.
Comment: In summary, the available evidence is currently insufficient to determine the role of this variant in disease. Therefore, it has been classified as a Variant of Uncertain Significance. Advanced modeling of protein sequence and biophysical properties (such as structural, functional, and spatial information, amino acid conservation, physicochemical variation, residue mobility, and thermodynamic stability) performed at Invitae indicates that this missense variant is expected to disrupt FANCE protein function. This variant has not been reported in the literature in individuals affected with FANCE-related conditions. This variant is not present in population databases (gnomAD no frequency). This sequence change replaces leucine, which is neutral and non-polar, with proline, which is neutral and non-polar, at codon 133 of the FANCE protein (p.Leu133Pro).

NM_021922.3(FANCE):c.398T>C (p.Leu133Pro)

Gene: FANCE (FA complementation group E; plus strand). Cytogenetic location: 6p21.31.
Variant type: single nucleotide variant.
Coding change: c.398T>C on transcript NM_021922.3 (MANE Select); coding-DNA position 398, T replaced by C.
Protein change: p.Leu133Pro; replaces leucine 133 with proline.
Molecular consequence: missense variant.
Genome position (GRCh38, 1-based): chr6:35,455,896, T>C. VCF-style: chr6-35455896-T-C. GRCh37 (hg19) VCF-style: chr6-35423673-T-C.
Other names: c.398T>C, p.Leu133Pro (NM_001410876.1); short protein forms L133P.
Identifiers: ClinVar variation 2729335 (VCV002729335.3), dbSNP rs373417949, ClinGen allele CA137294527.